The following is an entry in ClinVar:

ClinVar aggregate classification (germline): Uncertain significance. Review status: criteria provided, multiple submitters, no conflicts (2 of 4 stars). 2 submissions from 2 submitters: Uncertain significance (2). Last evaluated 2026-09-25.

Conditions:
Inborn genetic diseases. Identifiers: MedGen C0950123, MeSH D030342.

gnomAD v4.1: 3 of 1,612,284 alleles (0.00019%); highest among the groups gnomAD compares: Non-Finnish European, 0.00025%; no homozygotes.

Submissions (2):

GeneDx
Classification: Uncertain significance. Last evaluated: 2026-09-25. Review status: criteria provided, single submitter. Criteria: GeneDx Variant Classification Process June 2021. Collection method: clinical testing. Allele origin: germline.
Comment: Not observed at significant frequency in large population cohorts (gnomAD); In silico analysis suggests that this missense variant does not alter protein structure/function; Has not been previously published as pathogenic or benign to our knowledge

Ambry Genetics
Classification: Uncertain significance for Inborn genetic diseases. Last evaluated: 2025-11-05. Review status: criteria provided, single submitter. Criteria: Ambry Variant Classification Scheme 2023. Collection method: clinical testing. Allele origin: germline.

NM_004999.4(MYO6):c.325T>C (p.Ser109Pro)

Gene: MYO6 (myosin VI; plus strand). Cytogenetic location: 6q14.1.
Variant type: single nucleotide variant.
Coding change: c.325T>C on transcript NM_004999.4 (MANE Select); coding-DNA position 325, T replaced by C.
Protein change: p.Ser109Pro; replaces serine 109 with proline.
Molecular consequence: missense variant. On other transcripts: non-coding transcript variant (2).
Genome position (GRCh38, 1-based): chr6:75,830,479, T>C. VCF-style: chr6-75830479-T-C. GRCh37 (hg19) VCF-style: chr6-76540196-T-C.
Other names: c.325T>C, p.Ser109Pro (NM_001300899.2, NM_001368136.1, NM_001368137.1 and 5 more transcripts); short protein forms S109P.
Identifiers: ClinVar variation 4625601 (VCV004625601.3).